The following is an entry in ClinVar:

ClinVar aggregate classification (germline): Uncertain significance (1 of 4 stars; one submission).

Conditions:
Nemaline myopathy 2 (NEM2). Also called: Nemaline myopathy 2, autosomal recessive. Identifiers: MedGen C1850569, MONDO:0009725, OMIM 256030.

gnomAD v4.1: 17 of 1,612,050 alleles (0.0011%); highest among the groups gnomAD compares: Non-Finnish European, 0.0014%; no homozygotes.

Submission:

Labcorp Genetics (formerly Invitae), Labcorp
Classification: Uncertain significance for Nemaline myopathy 2. Last evaluated: 2022-03-04. Review status: criteria provided, single submitter. Criteria: Invitae Variant Classification Sherloc (09022015). Collection method: clinical testing. Allele origin: germline.
Comment: This sequence change replaces glutamic acid, which is acidic and polar, with glutamine, which is neutral and polar, at codon 8313 of the NEB protein (p.Glu8313Gln). This variant is not present in population databases (gnomAD no frequency). This variant has not been reported in the literature in individuals affected with NEB-related conditions. Algorithms developed to predict the effect of missense changes on protein structure and function are either unavailable or do not agree on the potential impact of this missense change (SIFT: "Deleterious"; PolyPhen-2: "Not Available"; Align-GVGD: "Class C0"). In summary, the available evidence is currently insufficient to determine the role of this variant in disease. Therefore, it has been classified as a Variant of Uncertain Significance.

NM_001164508.2(NEB):c.24832G>C (p.Glu8278Gln)

Genes: NEB (nebulin; minus strand), RIF1 (replication timing regulatory factor 1; plus strand). Cytogenetic location: 2q23.3.
Variant type: single nucleotide variant.
Coding change: c.24832G>C on transcript NM_001164508.2 (MANE Select); coding-DNA position 24832, G replaced by C.
Protein change: p.Glu8278Gln; replaces glutamic acid 8278 with glutamine.
Molecular consequence: missense variant.
Genome position (GRCh38, 1-based): chr2:151,492,428, C>G on the plus strand (G>C on the coding strand, the complement: NEB is on the minus strand). VCF-style: chr2-151492428-C-G. GRCh37 (hg19) VCF-style: chr2-152348942-C-G.
Other names: c.24832G>C, p.Glu8278Gln (NM_001164507.2); c.24937G>C, p.Glu8313Gln (NM_001271208.2); c.19264G>C, p.Glu6422Gln (NM_004543.5); short protein forms E8313Q, E8278Q, E6422Q.
Identifiers: ClinVar variation 1989148 (VCV001989148.1), dbSNP rs752529011, ClinGen allele CA348774198.